The following is an entry in ClinVar:

NM_016341.4(PLCE1):c.2242A>T (p.Asn748Tyr)

Gene: PLCE1 (phospholipase C epsilon 1; plus strand). Cytogenetic location: 10q23.33.
Variant type: single nucleotide variant.
Coding change: c.2242A>T on transcript NM_016341.4 (MANE Select); coding-DNA position 2242, A replaced by T.
Protein change: p.Asn748Tyr; replaces asparagine 748 with tyrosine.
Molecular consequence: missense variant.
Genome position (GRCh38, 1-based): chr10:94,235,942, A>T. VCF-style: chr10-94235942-A-T. GRCh37 (hg19) VCF-style: chr10-95995699-A-T.
Other names: c.1318A>T, p.Asn440Tyr (NM_001165979.2); c.2242A>T, p.Asn748Tyr (NM_001288989.2); short protein forms N440Y, N748Y.
Identifiers: ClinVar variation 3618043 (VCV003618043.2).

ClinVar aggregate classification (germline): Uncertain significance (1 of 4 stars; one submission).

gnomAD v4.1: 2 of 1,614,004 alleles (0.00012%); highest among the groups gnomAD compares: South Asian, 0.0022%; no homozygotes.

Submission:

Labcorp Genetics (formerly Invitae), Labcorp
Classification: Uncertain significance. Last evaluated: 2024-06-25. Review status: criteria provided, single submitter. Criteria: Invitae Variant Classification Sherloc (09022015). Collection method: clinical testing. Allele origin: germline.
Comment: This sequence change replaces asparagine, which is neutral and polar, with tyrosine, which is neutral and polar, at codon 748 of the PLCE1 protein (p.Asn748Tyr). This variant is present in population databases (rs778698239, gnomAD 0.003%). This variant has not been reported in the literature in individuals affected with PLCE1-related conditions. Advanced modeling of protein sequence and biophysical properties (such as structural, functional, and spatial information, amino acid conservation, physicochemical variation, residue mobility, and thermodynamic stability) performed at Invitae indicates that this missense variant is not expected to disrupt PLCE1 protein function with a negative predictive value of 80%. In summary, the available evidence is currently insufficient to determine the role of this variant in disease. Therefore, it has been classified as a Variant of Uncertain Significance.